The following is an entry in ClinVar:

ClinVar aggregate classification (germline): Uncertain significance. Review status: criteria provided, single submitter (1 of 4 stars). 2 submissions from 2 submitters: Uncertain significance (1). 1 of the submissions does not count toward it. Last evaluated 2023-05-23.

Conditions:
Ethylmalonic encephalopathy (EE). Also called: Syndrome of encephalopathy, petechiae, and ethylmalonic aciduria; EPEMA syndrome; Encephalopathy, petechiae, and ethylmalonic aciduria. Identifiers: Orphanet 51188, MedGen C1865349, MONDO:0011229, OMIM 602473. Disease mechanism: loss of function.

gnomAD v4.1: 10 of 1,554,984 alleles (0.00064%); highest among the groups gnomAD compares: Non-Finnish European, 0.00087%; no homozygotes.

Submissions (2):

Labcorp Genetics (formerly Invitae), Labcorp
Classification: Uncertain significance for Ethylmalonic encephalopathy. Last evaluated: 2023-05-23. Review status: criteria provided, single submitter. Criteria: Invitae Variant Classification Sherloc (09022015). Collection method: clinical testing. Allele origin: germline.
Comment: In summary, the available evidence is currently insufficient to determine the role of this variant in disease. Therefore, it has been classified as a Variant of Uncertain Significance. Advanced modeling of protein sequence and biophysical properties (such as structural, functional, and spatial information, amino acid conservation, physicochemical variation, residue mobility, and thermodynamic stability) performed at Invitae indicates that this missense variant is not expected to disrupt ETHE1 protein function. ClinVar contains an entry for this variant (Variation ID: 1001136). This variant has not been reported in the literature in individuals affected with ETHE1-related conditions. This variant is not present in population databases (gnomAD no frequency). This sequence change replaces glycine, which is neutral and non-polar, with serine, which is neutral and polar, at codon 17 of the ETHE1 protein (p.Gly17Ser).

Natera, Inc.
Classification: Uncertain significance for Ethylmalonic encephalopathy. Last evaluated: 2021-04-03. Review status: no assertion criteria provided. Collection method: clinical testing. Allele origin: germline. Not counted in ClinVar's aggregate classification.

NM_014297.5(ETHE1):c.49G>A (p.Gly17Ser)

Gene: ETHE1 (ETHE1 persulfide dioxygenase; minus strand). Cytogenetic location: 19q13.31.
Variant type: single nucleotide variant.
Coding change: c.49G>A on transcript NM_014297.5 (MANE Select); coding-DNA position 49, G replaced by A.
Protein change: p.Gly17Ser; replaces glycine 17 with serine.
Molecular consequence: missense variant. On other transcripts: 5 prime UTR variant (1).
Genome position (GRCh38, 1-based): chr19:43,527,129, C>T on the plus strand (G>A on the coding strand, the complement: ETHE1 is on the minus strand). VCF-style: chr19-43527129-C-T. GRCh37 (hg19) VCF-style: chr19-44031281-C-T.
Other names: c.49G>A, p.Gly17Ser (NM_001320867.2, NM_001320869.2); c.-172G>A (NM_001320868.2); short protein forms G17S.
Identifiers: ClinVar variation 1001136 (VCV001001136.9), dbSNP rs1468127110, ClinGen allele CA406182158.